The following is an entry in ClinVar:

ClinVar aggregate classification (germline): Uncertain significance (1 of 4 stars; one submission).

Conditions:
Cardiovascular phenotype. Identifiers: MedGen CN230736.

Submission:

Ambry Genetics
Classification: Uncertain significance for Cardiovascular phenotype. Last evaluated: 2024-02-23. Review status: criteria provided, single submitter. Criteria: Ambry Variant Classification Scheme 2023. Collection method: clinical testing. Allele origin: germline.
Comment: The p.C3453Y variant (also known as c.10358G>A), located in coding exon 38 of the ANK2 gene, results from a G to A substitution at nucleotide position 10358. The cysteine at codon 3453 is replaced by tyrosine, an amino acid with highly dissimilar properties. This amino acid position is conserved. In addition, this alteration is predicted to be tolerated by in silico analysis. Based on the available evidence, the clinical significance of this alteration remains unclear.

NM_001148.6(ANK2):c.10358G>A (p.Cys3453Tyr)

Gene: ANK2 (ankyrin 2; plus strand). Cytogenetic location: 4q26.
Variant type: single nucleotide variant.
Coding change: c.10358G>A on transcript NM_001148.6 (MANE Select); coding-DNA position 10358, G replaced by A.
Protein change: p.Cys3453Tyr; replaces cysteine 3453 with tyrosine.
Molecular consequence: missense variant. On other transcripts: intron variant (68).
Genome position (GRCh38, 1-based): chr4:113,358,976, G>A. VCF-style: chr4-113358976-G-A. GRCh37 (hg19) VCF-style: chr4-114280132-G-A.
Other names: c.10124G>A, p.Cys3375Tyr (NM_001386142.1); c.6758G>A, p.Cys2253Tyr (NM_001386166.1); c.10499G>A, p.Cys3500Tyr (NM_001386174.1); c.10475G>A, p.Cys3492Tyr (NM_001386175.1); c.4412-1847G>A (NM_001386186.2, NM_001386148.2); c.4214-1847G>A (NM_001354269.3); c.4292-1847G>A (NM_001386187.2); c.4253-1847G>A (NM_001386147.1); and 35 more; short protein forms C2253Y, C3375Y, C3453Y, C3492Y, C3500Y.
Identifiers: ClinVar variation 3220952 (VCV003220952.1), dbSNP rs1554572092, ClinGen allele CA357940236.